The following is an entry in ClinVar:

ClinVar aggregate classification (germline): Uncertain significance (1 of 4 stars; one submission).

Conditions:
Immunodeficiency, common variable, 10. Also called: DEFICIT IN ANTERIOR PITUITARY FUNCTION AND VARIABLE IMMUNODEFICIENCY; IMMUNODEFICIENCY, COMMON VARIABLE, WITH CENTRAL ADRENAL INSUFFICIENCY. Identifiers: MedGen C3809991, MONDO:0014260, OMIM 615577.

Allele frequency attached by ClinVar (database versions not stated): gnomAD exomes below 0.00001; gnomAD 0.00001; TOPMed 0.00001.
gnomAD v4.1: 5 of 1,613,992 alleles (0.00031%); highest among the groups gnomAD compares: African/African-American, 0.0027%; no homozygotes.

Submission:

Labcorp Genetics (formerly Invitae), Labcorp
Classification: Uncertain significance for Immunodeficiency, common variable, 10. Last evaluated: 2023-12-01. Review status: criteria provided, single submitter. Criteria: Invitae Variant Classification Sherloc (09022015). Collection method: clinical testing. Allele origin: germline.
Comment: This sequence change replaces serine, which is neutral and polar, with asparagine, which is neutral and polar, at codon 612 of the NFKB2 protein (p.Ser612Asn). This variant is present in population databases (no rsID available, gnomAD 0.007%). This variant has not been reported in the literature in individuals affected with NFKB2-related conditions. An algorithm developed to predict the effect of missense changes on protein structure and function (PolyPhen-2) suggests that this variant is likely to be disruptive. In summary, the available evidence is currently insufficient to determine the role of this variant in disease. Therefore, it has been classified as a Variant of Uncertain Significance.

NM_001322934.2(NFKB2):c.1835G>A (p.Ser612Asn)

Gene: NFKB2 (nuclear factor kappa B subunit 2; plus strand). Cytogenetic location: 10q24.32.
Variant type: single nucleotide variant.
Coding change: c.1835G>A on transcript NM_001322934.2 (MANE Select); coding-DNA position 1835, G replaced by A.
Protein change: p.Ser612Asn; replaces serine 612 with asparagine.
Molecular consequence: missense variant.
Genome position (GRCh38, 1-based): chr10:102,400,691, G>A. VCF-style: chr10-102400691-G-A. GRCh37 (hg19) VCF-style: chr10-104160448-G-A.
Other names: c.1835G>A, p.Ser612Asn (NM_001077493.1, NM_001077494.3, NM_001261403.3 and 2 more transcripts); c.1709G>A, p.Ser570Asn (NM_001322935.1); short protein forms S570N, S612N.
Identifiers: ClinVar variation 2751082 (VCV002751082.3), dbSNP rs1347281583, ClinGen allele CA377902597.
Genomic context (GRCh38, chr10:102,400,691, plus strand): 5'-AGGTTGAGCATCCTGCATCCTTAGGACTGTATCCAGTACACCTGGCAGTCCGAGCCCGAA[G>A]CCCTGAGTGCCTGGATCTGCTGGTGGACAGTGGGGCTGAAGTGGAGGCCACAGAGCGGCA-3'
Protein context (NP_001309863.1, residues 602-622): YPVHLAVRAR[Ser612Asn]PECLDLLVDS